The following is an entry in ClinVar:

NM_001270508.2(TNFAIP3):c.259C>T (p.Arg87Ter)

Gene: TNFAIP3 (TNF alpha induced protein 3; plus strand). Cytogenetic location: 6q23.3.
Variant type: single nucleotide variant.
Coding change: c.259C>T on transcript NM_001270508.2 (MANE Select); coding-DNA position 259, C replaced by T.
Protein change: p.Arg87Ter; replaces arginine 87 with a stop codon.
Molecular consequence: nonsense.
Genome position (GRCh38, 1-based): chr6:137,871,486, C>T. VCF-style: chr6-137871486-C-T. GRCh37 (hg19) VCF-style: chr6-138192623-C-T.
Other names: c.259C>T, p.Arg87Ter (NM_001270507.2, NM_006290.4); short protein forms R87*.
Identifiers: ClinVar variation 3718613 (VCV003718613.5).

ClinVar aggregate classification (germline): Pathogenic. Review status: criteria provided, multiple submitters, no conflicts (2 of 4 stars). 4 submissions from 4 submitters: Pathogenic (4). Last evaluated 2024-07-02.

Conditions:
Autoinflammatory syndrome, familial, Behcet-like 1 (AIFBL1). Also called: Haploinsufficiency of A20. Identifiers: Orphanet 674762, MedGen C4225218, MONDO:0800045, OMIM 616744.

Submissions (4):

Johns Hopkins Genomics, Johns Hopkins University
Classification: Pathogenic for Autoinflammatory syndrome, familial, Behcet-like 1. Last evaluated: 2024-07-02. Review status: criteria provided, single submitter. Criteria: ACMG Guidelines, 2015. Collection method: clinical testing. Allele origin: germline.
Comment: This TNFAIP3 variant (rs775850329) is rare (<0.1%) in a large population dataset (gnomAD v.4.1.0: 1/1614128 total alleles; 0.000062%; no homozygotes) and has not been reported in ClinVar, to our knowledge. This variant has been reported in the literature in unrelated individuals with autoinflammatory/primary immunodeficiency disease. This nonsense variant, p.Arg87Ter, in exon 2 of 9 of TNFAIP3 results in a premature termination codon (PTC) likely leading to nonsense-mediated decay and lack of protein production. We consider c.259C>T to be pathogenic for autosomal dominant familial Behcet-like autoinflammatory syndrome-1.

Labcorp Genetics (formerly Invitae), Labcorp
Classification: Pathogenic. Last evaluated: 2024-04-06. Review status: criteria provided, single submitter. Criteria: Invitae Variant Classification Sherloc (09022015). Collection method: clinical testing. Allele origin: germline.
Comment: This sequence change creates a premature translational stop signal (p.Arg87*) in the TNFAIP3 gene. It is expected to result in an absent or disrupted protein product. Loss-of-function variants in TNFAIP3 are known to be pathogenic (PMID: 26642243). This variant is not present in population databases (gnomAD no frequency). This premature translational stop signal has been observed in individual(s) with TNFAIP3-related condition (PMID: 31299923, 33966343). For these reasons, this variant has been classified as Pathogenic.

3billion
Classification: Pathogenic for Autoinflammatory syndrome, familial, Behcet-like 1. Last evaluated: 2023-06-19. Review status: criteria provided, single submitter. Criteria: ACMG Guidelines, 2015. Collection method: clinical testing. Allele origin: germline. Affected: yes.
Comment: The variant is not observed in the gnomAD v2.1.1 dataset. Predicted Consequence/Location: Stop-gained (nonsense): predicted to result in a loss or disruption of normal protein function through nonsense-mediated decay (NMD) or protein truncation. Multiple pathogenic variants are reported downstream of the variant. The variant has been reported to be associated with TNFAIP3 related disorder (PMID: 31299923). Therefore, this variant is classified as Pathogenic according to the recommendation of ACMG/AMP guideline.

Juno Genomics, Hangzhou Juno Genomics, Inc
Classification: Pathogenic for Autoinflammatory syndrome, familial, Behcet-like 1. Review status: criteria provided, single submitter. Criteria: ACMG Guidelines, 2015. Collection method: clinical testing. Allele origin: germline. Affected: yes.
Comment: Absent from controls (or at extremely low frequency if recessive) in Genome Aggregation Database.;Null variant in a gene where loss of function (LOF) is a known mechanism of disease.;Assumed de novo, but without confirmation of paternity and maternity.;Patient's phenotype or family history is highly specific for a disease with a single genetic etiology.;Co-segregation with disease in multiple affected family members.;Assumed de novo, but without confirmation of paternity and maternity.

Literature cited by the submitters: PubMed 26642243 (cited by Johns Hopkins Genomics, Johns Hopkins University and Labcorp Genetics (formerly Invitae), Labcorp); PubMed 29241730 (cited by Johns Hopkins Genomics, Johns Hopkins University); PubMed 29317407 (cited by Johns Hopkins Genomics, Johns Hopkins University); PubMed 31299923 (cited by 3 submitters); PubMed 33966343 (cited by Johns Hopkins Genomics, Johns Hopkins University and Labcorp Genetics (formerly Invitae), Labcorp); PubMed 37485029 (cited by Johns Hopkins Genomics, Johns Hopkins University).